The following is an entry in ClinVar:

NM_000142.5(FGFR3):c.1246C>G (p.Arg416Gly)

Gene: FGFR3 (fibroblast growth factor receptor 3; plus strand). Cytogenetic location: 4p16.3.
Variant type: single nucleotide variant.
Coding change: c.1246C>G on transcript NM_000142.5 (MANE Select); coding-DNA position 1246, C replaced by G.
Protein change: p.Arg416Gly; replaces arginine 416 with glycine.
Molecular consequence: missense variant. On other transcripts: non-coding transcript variant (1), intron variant (1).
Genome position (GRCh38, 1-based): chr4:1,804,500, C>G. VCF-style: chr4-1804500-C-G. GRCh37 (hg19) VCF-style: chr4-1806227-C-G.
Other names: c.1252C>G, p.Arg418Gly (NM_001163213.2); c.1246C>G, p.Arg416Gly (NM_001354809.2, NM_001354810.2); c.931-324C>G (NM_022965.4); short protein forms R416G, R418G.
Identifiers: ClinVar variation 3636992 (VCV003636992.2).
Genomic context (GRCh38, chr4:1,804,500, plus strand): 5'-TGCCGCCTGCGCAGCCCCCCCAAGAAAGGCCTGGGCTCCCCCACCGTGCACAAGATCTCC[C>G]GCTTCCCGCTCAAGCGACAGGTAACAGAAAGTAGATACCAGGTTCTGAGCTGCCTGCCCG-3'
Protein context (NP_000133.1, residues 406-426): LGSPTVHKIS[Arg416Gly]FPLKRQVSLE

ClinVar aggregate classification (germline): Uncertain significance (1 of 4 stars; one submission).

Submission:

Labcorp Genetics (formerly Invitae), Labcorp
Classification: Uncertain significance. Last evaluated: 2024-11-13. Review status: criteria provided, single submitter. Criteria: Invitae Variant Classification Sherloc (09022015). Collection method: clinical testing. Allele origin: germline.
Comment: This sequence change replaces arginine, which is basic and polar, with glycine, which is neutral and non-polar, at codon 416 of the FGFR3 protein (p.Arg416Gly). This variant is not present in population databases (gnomAD no frequency). This variant has not been reported in the literature in individuals affected with FGFR3-related conditions. Invitae Evidence Modeling of protein sequence and biophysical properties (such as structural, functional, and spatial information, amino acid conservation, physicochemical variation, residue mobility, and thermodynamic stability) indicates that this missense variant is not expected to disrupt FGFR3 protein function with a negative predictive value of 95%. In summary, the available evidence is currently insufficient to determine the role of this variant in disease. Therefore, it has been classified as a Variant of Uncertain Significance.